The following is an entry in ClinVar:

NM_001166108.2(PALLD):c.1965-12599C>G

Gene: PALLD (palladin, cytoskeletal associated protein; plus strand). Cytogenetic location: 4q32.3.
Variant type: single nucleotide variant.
Coding change: c.1965-12599C>G on transcript NM_001166108.2 (MANE Select); 12599 bases into the intron before coding-DNA position 1965, C replaced by G.
Molecular consequence: intron variant. On other transcripts: missense variant (1).
Genome position (GRCh38, 1-based): chr4:168,878,323, C>G. VCF-style: chr4-168878323-C-G. GRCh37 (hg19) VCF-style: chr4-169799474-C-G.
Other names: c.432C>G, p.Ser144Arg (NM_001166110.2); c.1965-12599C>G (NM_016081.4); c.819-12599C>G (NM_001166109.2); c.-157-12599C>G (NM_001367570.1, NM_001367568.1, NM_001367567.1 and 1 more transcripts); short protein forms S144R.
Identifiers: ClinVar variation 5026235 (VCV005026235.1).

ClinVar aggregate classification (germline): Uncertain significance (1 of 4 stars; one submission).

gnomAD v4.1: 2 of 1,524,656 alleles (0.00013%); highest among the groups gnomAD compares: South Asian, 0.0012%; no homozygotes.

Submission:

Ambry Genetics
Classification: Uncertain significance. Last evaluated: 2026-08-02. Review status: criteria provided, single submitter. Criteria: Ambry Variant Classification Scheme 2023. Collection method: clinical testing. Allele origin: germline.
Comment: The p.S144R variant (also known as c.432C>G), located in coding exon 1 of the PALLD gene, results from a C to G substitution at nucleotide position 432. The serine at codon 144 is replaced by arginine, an amino acid with dissimilar properties. This amino acid position is conserved. In addition, this alteration is predicted to be tolerated by in silico analysis. Based on the available evidence, the clinical significance of this variant remains unclear.